The following is an entry in ClinVar:

ClinVar aggregate classification (germline): Conflicting classifications of pathogenicity. Review status: criteria provided, conflicting classifications (1 of 4 stars). 4 submissions from 4 submitters: Uncertain significance (1); Likely benign (2). 1 of the submissions does not count toward it. Last evaluated 2026-01-06.

Conditions:
DNAH8-related disorder. Also called: DNAH8-related condition.
Primary ciliary dyskinesia. Also called: Ciliary dyskinesia. Identifiers: Orphanet 244, MedGen C0008780, MONDO:0016575, HP:0012265.

Allele frequency attached by ClinVar (database versions not stated): gnomAD exomes 0.00022 and 0.00049; ExAC 0.00062; 1000 Genomes Project 0.00100; 1000 Genomes Project 30x 0.00125; gnomAD 0.00194 and 0.00213; TOPMed 0.00195; ESP Exome Variant Server 0.00223.
gnomAD v4.1: 625 of 1,614,116 alleles (0.039%); highest among the groups gnomAD compares: African/African-American, 0.66%; 2 homozygotes.

Submissions (4):

Labcorp Genetics (formerly Invitae), Labcorp
Classification: Likely benign for Primary ciliary dyskinesia. Last evaluated: 2026-01-06. Review status: criteria provided, single submitter. Criteria: Invitae Variant Classification Sherloc (09022015). Collection method: clinical testing. Allele origin: germline.

GeneDx
Classification: Uncertain significance. Last evaluated: 2024-10-15. Review status: criteria provided, single submitter. Criteria: GeneDx Variant Classification Process June 2021. Collection method: clinical testing. Allele origin: germline. Affected: yes.
Comment: Has not been previously published as pathogenic or benign to our knowledge; In silico analysis indicates that this missense variant does not alter protein structure/function

Blueprint Genetics
Classification: Likely benign. Last evaluated: 2024-09-13. Review status: criteria provided, single submitter. Criteria: ACMG Guidelines, 2015. Collection method: clinical testing. Allele origin: germline.

PreventionGenetics, part of Exact Sciences
Classification: Likely benign for DNAH8-related condition. Last evaluated: 2019-07-18. Review status: no assertion criteria provided. Collection method: clinical testing. Allele origin: germline. Not counted in ClinVar's aggregate classification.
Comment: This variant is classified as likely benign based on ACMG/AMP sequence variant interpretation guidelines (Richards et al. 2015 PMID: 25741868, with internal and published modifications).

NM_001206927.2(DNAH8):c.9574A>G (p.Met3192Val)

Genes: DNAH8 (dynein axonemal heavy chain 8; plus strand), DNAH8-AS1 (DNAH8 antisense RNA 1; minus strand). Cytogenetic location: 6p21.2.
Variant type: single nucleotide variant.
Coding change: c.9574A>G on transcript NM_001206927.2 (MANE Select); coding-DNA position 9574, A replaced by G.
Protein change: p.Met3192Val; replaces methionine 3192 with valine.
Molecular consequence: missense variant.
Genome position (GRCh38, 1-based): chr6:38,909,578, A>G. VCF-style: chr6-38909578-A-G. GRCh37 (hg19) VCF-style: chr6-38877354-A-G.
Other names: c.8923A>G, p.Met2975Val (NM_001371.4); short protein forms M3192V, M2975V.
Identifiers: ClinVar variation 414381 (VCV000414381.16), dbSNP rs140935840, ClinGen allele CA3790506.